The following is an entry in ClinVar:

NM_024642.5(GALNT12):c.949G>A (p.Val317Met)

Gene: GALNT12 (polypeptide N-acetylgalactosaminyltransferase 12; plus strand). Cytogenetic location: 9q22.33.
Variant type: single nucleotide variant.
Coding change: c.949G>A on transcript NM_024642.5 (MANE Select); coding-DNA position 949, G replaced by A.
Protein change: p.Val317Met; replaces valine 317 with methionine.
Molecular consequence: missense variant.
Genome position (GRCh38, 1-based): chr9:98,835,280, G>A. VCF-style: chr9-98835280-G-A. GRCh37 (hg19) VCF-style: chr9-101597562-G-A.
Other names: short protein forms V317M.
Identifiers: ClinVar variation 1767142 (VCV001767142.2), dbSNP rs954825101, ClinGen allele CA196826059.

ClinVar aggregate classification (germline): Uncertain significance (1 of 4 stars; one submission).

Submission:

Ambry Genetics
Classification: Uncertain significance. Last evaluated: 2022-05-13. Review status: criteria provided, single submitter. Criteria: Ambry Variant Classification Scheme 2023. Collection method: clinical testing. Allele origin: germline.
Comment: The p.V317M variant (also known as c.949G>A), located in coding exon 5 of the GALNT12 gene, results from a G to A substitution at nucleotide position 949. The valine at codon 317 is replaced by methionine, an amino acid with highly similar properties. This amino acid position is conserved. In addition, the in silico prediction for this alteration is inconclusive. Since supporting evidence is limited at this time, the clinical significance of this alteration remains unclear.